The following is an entry in ClinVar:

NM_002439.5(MSH3):c.1462A>G (p.Ile488Val)

Gene: MSH3 (mutS homolog 3; plus strand). Cytogenetic location: 5q14.1.
Variant type: single nucleotide variant.
Coding change: c.1462A>G on transcript NM_002439.5 (MANE Select); coding-DNA position 1462, A replaced by G.
Protein change: p.Ile488Val; replaces isoleucine 488 with valine.
Molecular consequence: missense variant.
Genome position (GRCh38, 1-based): chr5:80,728,859, A>G. VCF-style: chr5-80728859-A-G. GRCh37 (hg19) VCF-style: chr5-80024678-A-G.
Other names: short protein forms I488V.
Identifiers: ClinVar variation 3398759 (VCV003398759.1).
Genomic context (GRCh38, chr5:80,728,859, plus strand): 5'-TTGATTAATTTAAAAGAATTTTTATAACAAGTTAATATATTCTGTTTTCTAGGTTCTCAA[A>G]TTATTTCTGGCATTGTTAACTTAGAGAAGCCTGTGATTTGCTCTTTGGCTGCCATCATAA-3'
Protein context (NP_002430.3, residues 478-498): KDTVDIKGSQ[Ile488Val]ISGIVNLEKP

ClinVar aggregate classification (germline): Uncertain significance (1 of 4 stars; one submission).

Conditions:
Hereditary cancer-predisposing syndrome. Also called: Hereditary Cancer Syndrome; Tumor predisposition; Hereditary neoplastic syndrome; Neoplastic Syndromes, Hereditary. Identifiers: Orphanet 140162, MedGen C0027672, MeSH D009386, MONDO:0015356.

Submission:

Ambry Genetics
Classification: Uncertain significance for Hereditary cancer-predisposing syndrome. Last evaluated: 2024-10-29. Review status: criteria provided, single submitter. Criteria: Ambry Variant Classification Scheme 2023. Collection method: clinical testing. Allele origin: germline.
Comment: The p.I488V variant (also known as c.1462A>G), located in coding exon 10 of the MSH3 gene, results from an A to G substitution at nucleotide position 1462. The isoleucine at codon 488 is replaced by valine, an amino acid with highly similar properties. This amino acid position is conserved. In addition, this alteration is predicted to be tolerated by in silico analysis. Based on the available evidence, the clinical significance of this variant remains unclear.